The following is an entry in ClinVar:

NM_004369.4(COL6A3):c.4445A>G (p.Asn1482Ser)

Gene: COL6A3 (collagen type VI alpha 3 chain; minus strand). Cytogenetic location: 2q37.3.
Variant type: single nucleotide variant.
Coding change: c.4445A>G on transcript NM_004369.4 (MANE Select); coding-DNA position 4445, A replaced by G.
Protein change: p.Asn1482Ser; replaces asparagine 1482 with serine.
Molecular consequence: missense variant.
Genome position (GRCh38, 1-based): chr2:237,369,018, T>C on the plus strand (A>G on the coding strand, the complement: COL6A3 is on the minus strand). VCF-style: chr2-237369018-T-C. GRCh37 (hg19) VCF-style: chr2-238277661-T-C.
Other names: c.2624A>G, p.Asn875Ser (NM_057166.5); c.3827A>G, p.Asn1276Ser (NM_057167.4); short protein forms N1482S, N875S, N1276S.
Identifiers: ClinVar variation 962075 (VCV000962075.10), dbSNP rs2077622262, ClinGen allele CA351193315.

ClinVar aggregate classification (germline): Uncertain significance (1 of 4 stars; one submission).

Conditions:
Bethlem myopathy 1A. Also called: Bethlem Muscular Dystrophy; Bethlem myopathy 1; MYOPATHY, BENIGN CONGENITAL, WITH CONTRACTURES. Identifiers: Orphanet 610, MedGen CN029274, MONDO:0024530, OMIM 158810.

Allele frequency attached by ClinVar (database versions not stated): gnomAD exomes below 0.00001; TOPMed 0.00001.
gnomAD v4.1: 1 of 1,614,224 alleles (0.000062%); highest among the groups gnomAD compares: Admixed American, 0.0017%; no homozygotes.

Submission:

Labcorp Genetics (formerly Invitae), Labcorp
Classification: Uncertain significance for Bethlem myopathy 1A. Last evaluated: 2022-07-11. Review status: criteria provided, single submitter. Criteria: Invitae Variant Classification Sherloc (09022015). Collection method: clinical testing. Allele origin: germline.
Comment: In summary, the available evidence is currently insufficient to determine the role of this variant in disease. Therefore, it has been classified as a Variant of Uncertain Significance. Advanced modeling of protein sequence and biophysical properties (such as structural, functional, and spatial information, amino acid conservation, physicochemical variation, residue mobility, and thermodynamic stability) performed at Invitae indicates that this missense variant is not expected to disrupt COL6A3 protein function. This sequence change replaces asparagine, which is neutral and polar, with serine, which is neutral and polar, at codon 1482 of the COL6A3 protein (p.Asn1482Ser). This variant is not present in population databases (gnomAD no frequency). This variant has not been reported in the literature in individuals affected with COL6A3-related conditions. ClinVar contains an entry for this variant (Variation ID: 962075).